The following is an entry in ClinVar:

ClinVar aggregate classification (germline): Uncertain significance (1 of 4 stars; one submission).

Conditions:
Neurofibromatosis, type 1 (NF1). Also called: VON RECKLINGHAUSEN DISEASE; NEUROFIBROMATOSIS, TYPE I, SOMATIC; Neurofibromatosis, type I; Peripheral type neurofibromatosis. Identifiers: Orphanet 636, MedGen C0027831, MONDO:0018975, OMIM 162200. Disease mechanism: loss of function.

Submission:

Labcorp Genetics (formerly Invitae), Labcorp
Classification: Uncertain significance for Neurofibromatosis, type 1. Last evaluated: 2021-10-16. Review status: criteria provided, single submitter. Criteria: Invitae Variant Classification Sherloc (09022015). Collection method: clinical testing. Allele origin: germline.
Comment: This variant is not present in population databases (ExAC no frequency). In summary, the available evidence is currently insufficient to determine the role of this variant in disease. Therefore, it has been classified as a Variant of Uncertain Significance. Algorithms developed to predict the effect of missense changes on protein structure and function are either unavailable or do not agree on the potential impact of this missense change (SIFT: "Tolerated"; PolyPhen-2: "Probably Damaging"; Align-GVGD: "Class C0"). This variant has not been reported in the literature in individuals affected with NF1-related conditions. This sequence change replaces threonine with serine at codon 59 of the NF1 protein (p.Thr59Ser). The threonine residue is highly conserved and there is a small physicochemical difference between threonine and serine.

NM_001042492.3(NF1):c.175A>T (p.Thr59Ser)

Gene: NF1 (neurofibromin 1; plus strand). Cytogenetic location: 17q11.2.
Variant type: single nucleotide variant.
Coding change: c.175A>T on transcript NM_001042492.3 (MANE Select); coding-DNA position 175, A replaced by T.
Protein change: p.Thr59Ser; replaces threonine 59 with serine.
Molecular consequence: missense variant.
Genome position (GRCh38, 1-based): chr17:31,156,097, A>T. VCF-style: chr17-31156097-A-T. GRCh37 (hg19) VCF-style: chr17-29483115-A-T.
Other names: c.175A>T, p.Thr59Ser (NM_001128147.3, NM_000267.4); short protein forms T59S.
Identifiers: ClinVar variation 1421276 (VCV001421276.6), dbSNP rs1567814586, ClinGen allele CA398988651.